The following is an entry in ClinVar:

ClinVar aggregate classification (germline): Uncertain significance (1 of 4 stars; one submission).

Allele frequency attached by ClinVar (database versions not stated): TOPMed below 0.00001; gnomAD 0.00001; gnomAD exomes 0.00002.
gnomAD v4.1: 15 of 1,614,004 alleles (0.00093%); highest among the groups gnomAD compares: African/African-American, 0.0013%; no homozygotes.

Submission:

Labcorp Genetics (formerly Invitae), Labcorp
Classification: Uncertain significance. Last evaluated: 2022-01-26. Review status: criteria provided, single submitter. Criteria: Invitae Variant Classification Sherloc (09022015). Collection method: clinical testing. Allele origin: germline.
Comment: This sequence change replaces aspartic acid, which is acidic and polar, with glycine, which is neutral and non-polar, at codon 424 of the XPR1 protein (p.Asp424Gly). In summary, the available evidence is currently insufficient to determine the role of this variant in disease. Therefore, it has been classified as a Variant of Uncertain Significance. Algorithms developed to predict the effect of missense changes on protein structure and function (SIFT, PolyPhen-2, Align-GVGD) all suggest that this variant is likely to be tolerated. This variant has not been reported in the literature in individuals affected with XPR1-related conditions. This variant is not present in population databases (gnomAD no frequency).

NM_004736.4(XPR1):c.1271A>G (p.Asp424Gly)

Gene: XPR1 (xenotropic and polytropic retrovirus receptor 1; plus strand). Cytogenetic location: 1q25.3.
Variant type: single nucleotide variant.
Coding change: c.1271A>G on transcript NM_004736.4 (MANE Select); coding-DNA position 1271, A replaced by G.
Protein change: p.Asp424Gly; replaces aspartic acid 424 with glycine.
Molecular consequence: missense variant.
Genome position (GRCh38, 1-based): chr1:180,835,010, A>G. VCF-style: chr1-180835010-A-G. GRCh37 (hg19) VCF-style: chr1-180804146-A-G.
Other names: c.1271A>G, p.Asp424Gly (NM_001135669.2, NM_001328662.2); short protein forms D424G.
Identifiers: ClinVar variation 1933348 (VCV001933348.5), dbSNP rs1651229688, ClinGen allele CA343840624.
Genomic context (GRCh38, chr1:180,835,010, plus strand): 5'-CAGTGATACTGATGGACCTGGAATATATGATCTGCTTCTACAGTTTGGAGCTCAAATGGG[A>G]TGAAAGTAAGGGCCTGTTGCCAAATAATTCAGAAGGTAGGGTATGAATTTGCATCTATAC-3'
Protein context (NP_004727.2, residues 414-434): ICFYSLELKW[Asp424Gly]ESKGLLPNNS